The following is an entry in ClinVar:

NM_016156.6(MTMR2):c.1090C>T (p.Arg364Ter)

Gene: MTMR2 (myotubularin related protein 2; minus strand). Cytogenetic location: 11q21.
Variant type: single nucleotide variant.
Coding change: c.1090C>T on transcript NM_016156.6 (MANE Select); coding-DNA position 1090, C replaced by T.
Protein change: p.Arg364Ter; replaces arginine 364 with a stop codon.
Molecular consequence: nonsense.
Genome position (GRCh38, 1-based): chr11:95,847,803, G>A on the plus strand (C>T on the coding strand, the complement: MTMR2 is on the minus strand). VCF-style: chr11-95847803-G-A. GRCh37 (hg19) VCF-style: chr11-95580967-G-A.
Other names: c.874C>T, p.Arg292Ter (NM_001243571.2, NM_201278.3, NM_201281.3); short protein forms R364*, R292*.
Identifiers: ClinVar variation 684410 (VCV000684410.7), dbSNP rs776757548, ClinGen allele CA226600928.

ClinVar aggregate classification (germline): Pathogenic. Review status: criteria provided, multiple submitters, no conflicts (2 of 4 stars). 4 submissions from 4 submitters: Pathogenic (4). Last evaluated 2025-12-21.

Conditions:
Charcot-Marie-Tooth disease type 4. Also called: Charcot-Marie-Tooth disease, type IV; Charcot-Marie-Tooth, Type 4. Identifiers: Orphanet 64749, MedGen C4082197, MONDO:0018995.
Charcot-Marie-Tooth disease type 4B1. Also called: CHARCOT-MARIE-TOOTH DISEASE, AUTOSOMAL RECESSIVE, WITH FOCALLY FOLDED MYELIN SHEATHS, AUTOSOMAL RECESSIVE, TYPE 4B1; CHARCOT-MARIE-TOOTH DISEASE, TYPE 4B; CHARCOT-MARIE-TOOTH DISEASE, DEMYELINATING, TYPE 4B1; Charcot-Marie-Tooth Neuropathy Type 4B1. Identifiers: Orphanet 99955, MedGen C1832399, MONDO:0011066, OMIM 601382.
Inborn genetic diseases. Identifiers: MedGen C0950123, MeSH D030342.

Allele frequency attached by ClinVar (database versions not stated): gnomAD 0.00001; TOPMed 0.00002.
gnomAD v4.1: 9 of 1,613,372 alleles (0.00056%); highest among the groups gnomAD compares: Admixed American, 0.0017%; no homozygotes.

Submissions (4):

Labcorp Genetics (formerly Invitae), Labcorp
Classification: Pathogenic for Charcot-Marie-Tooth disease type 4. Last evaluated: 2025-12-21. Review status: criteria provided, single submitter. Criteria: Invitae Variant Classification Sherloc (09022015). Collection method: clinical testing. Allele origin: germline.
Comment: This sequence change creates a premature translational stop signal (p.Arg364*) in the MTMR2 gene. It is expected to result in an absent or disrupted protein product. Loss-of-function variants in MTMR2 are known to be pathogenic (PMID: 10802647). This variant is present in population databases (no rsID available, gnomAD 0.003%). This premature translational stop signal has been observed in individual(s) with Charcot-Marie-Tooth disease (PMID: 31070812, 31680794). It has also been observed to segregate with disease in related individuals. ClinVar contains an entry for this variant (Variation ID: 684410). For these reasons, this variant has been classified as Pathogenic.

Mendelics
Classification: Pathogenic for Charcot-Marie-Tooth disease type 4B1. Last evaluated: 2022-05-04. Review status: criteria provided, single submitter. Criteria: Mendelics Assertion Criteria 2019. Collection method: clinical testing. Allele origin: germline.

Ambry Genetics
Classification: Pathogenic for Inborn genetic diseases. Last evaluated: 2021-05-03. Review status: criteria provided, single submitter. Criteria: Ambry Variant Classification Scheme 2023. Collection method: clinical testing. Allele origin: germline.
Comment: The p.R364* pathogenic mutation (also known as c.1090C>T), located in coding exon 10 of the MTMR2 gene, results from a C to T substitution at nucleotide position 1090. This changes the amino acid from an arginine to a stop codon within coding exon 10. This variant is considered to be rare based on population cohorts in the Genome Aggregation Database (gnomAD). This alteration is expected to result in loss of function by premature protein truncation or nonsense-mediated mRNA decay. As such, this alteration is interpreted as a disease-causing mutation.

Cirak Lab, University Hospital Cologne
Classification: Pathogenic for Charcot-Marie-Tooth disease type 4B1. Last evaluated: 2019-04-01. Review status: criteria provided, single submitter. Criteria: ACMG Guidelines, 2015. Collection method: research. Allele origin: inherited. Affected: yes.
Comment: This variant was observed as a homozygote.

Literature cited by the submitters: PubMed 10802647 (cited by Labcorp Genetics (formerly Invitae), Labcorp); PubMed 31070812 (cited by Labcorp Genetics (formerly Invitae), Labcorp and Ambry Genetics); PubMed 31680794 (cited by Labcorp Genetics (formerly Invitae), Labcorp and Ambry Genetics).